The following is an entry in ClinVar:

ClinVar aggregate classification (germline): Benign/Likely benign. Review status: criteria provided, multiple submitters, no conflicts (2 of 4 stars). 11 submissions from 11 submitters: Benign (7); Likely benign (1). 3 of the submissions do not count toward it. Last evaluated 2026-02-04.

Conditions:
Noonan syndrome (NS). Also called: Noonan's syndrome. Identifiers: Orphanet 648, MedGen C0028326, MeSH D009634, MONDO:0018997. Disease mechanism: gain of function.
Hereditary cancer-predisposing syndrome. Also called: Hereditary Cancer Syndrome; Tumor predisposition; Hereditary neoplastic syndrome; Neoplastic Syndromes, Hereditary. Identifiers: Orphanet 140162, MedGen C0027672, MeSH D009386, MONDO:0015356.
Cardiovascular phenotype. Identifiers: MedGen CN230736.

Allele frequency attached by ClinVar (database versions not stated): 1000 Genomes Project 0.00559; 1000 Genomes Project 30x 0.00593; gnomAD 0.00952 and 0.00972; TOPMed 0.00960; gnomAD exomes 0.01012 and 0.01279; ESP Exome Variant Server 0.01030; ExAC 0.01037.
gnomAD v4.1: 20,042 of 1,610,034 alleles (1.2%); highest among the groups gnomAD compares: Non-Finnish European, 1.4%; 145 homozygotes.

Submissions (11):

Labcorp Genetics (formerly Invitae), Labcorp
Classification: Benign. Last evaluated: 2026-02-04. Review status: criteria provided, single submitter. Criteria: Invitae Variant Classification Sherloc (09022015). Collection method: clinical testing. Allele origin: germline.

ARUP Laboratories, Molecular Genetics and Genomics, ARUP Laboratories
Classification: Benign. Last evaluated: 2025-04-10. Review status: criteria provided, single submitter. Criteria: ARUP Molecular Germline Variant Investigation Process 2024. Collection method: clinical testing. Allele origin: germline.

Blueprint Genetics
Classification: Likely benign. Last evaluated: 2024-11-28. Review status: criteria provided, single submitter. Criteria: ACMG Guidelines, 2015. Collection method: clinical testing. Allele origin: germline.

Department of Pathology and Laboratory Medicine, Sinai Health System
Classification: Benign for Noonan syndrome. Last evaluated: 2022-02-02. Review status: criteria provided, single submitter. Criteria: ACMG Guidelines, 2015. Collection method: clinical testing. Allele origin: germline. Affected: yes.

Ambry Genetics
Classification: Benign for Cardiovascular phenotype; Hereditary cancer-predisposing syndrome. Last evaluated: 2020-07-28. Review status: criteria provided, single submitter. Criteria: Ambry Variant Classification Scheme 2023. Collection method: clinical testing. Allele origin: germline.

Women's Health and Genetics/Laboratory Corporation of America, LabCorp
Classification: Benign. Last evaluated: 2019-08-12. Review status: criteria provided, single submitter. Criteria: LabCorp Variant Classification Summary - May 2015. Collection method: clinical testing. Allele origin: germline.
Comment: Variant summary: LZTR1 c.2219+13C>T alters a non-conserved nucleotide located close to a canonical splice site and therefore could affect mRNA splicing, leading to a significantly altered protein sequence. 5/5 computational tools predict no significant impact on normal splicing. However, these predictions have yet to be confirmed by functional studies. The variant allele was found at a frequency of 0.01 in 248276 control chromosomes, predominantly at a frequency of 0.014 within the Non-Finnish European subpopulation in the gnomAD database, including 12 homozygotes. The observed variant frequency within Non-Finnish European control individuals in the gnomAD database is approximately 2800-folds over the estimated maximal expected allele frequency for a pathogenic variant in LZTR1 causing Noonan Syndrome and Related Conditions phenotype (5e-06), strongly suggesting that the variant is a benign polymorphism found primarily in populations of Non-Finnish European origin. A ClinVar submission (evaluation after 2014) cites the variant as benign. Based on the evidence outlined above, the variant was classified as benign.

GeneDx
Classification: Benign. Last evaluated: 2017-03-15. Review status: criteria provided, single submitter. Criteria: GeneDx Variant Classification (06012015). Collection method: clinical testing. Allele origin: germline. Affected: yes.
Comment: This variant is considered likely benign or benign based on one or more of the following criteria: it is a conservative change, it occurs at a poorly conserved position in the protein, it is predicted to be benign by multiple in silico algorithms, and/or has population frequency not consistent with disease.

Breakthrough Genomics
Classification: Benign. Review status: criteria provided, single submitter. Criteria: ACMG Guidelines, 2015. Collection method: not provided. Allele origin: germline. Inheritance: Autosomal recessive inheritance. Affected: yes.

Clinical Genetics DNA and cytogenetics Diagnostics Lab, Erasmus MC, Erasmus Medical Center
Classification: Likely benign. Review status: no assertion criteria provided. Collection method: clinical testing. Allele origin: germline. Affected: yes. Study: VKGL Data-share Consensus. Not counted in ClinVar's aggregate classification.

Genome Diagnostics Laboratory, Amsterdam University Medical Center
Classification: Benign. Review status: no assertion criteria provided. Collection method: clinical testing. Allele origin: germline. Affected: yes. Study: VKGL Data-share Consensus. Not counted in ClinVar's aggregate classification.

Joint Genome Diagnostic Labs from Nijmegen and Maastricht, Radboudumc and MUMC+
Classification: Benign. Review status: no assertion criteria provided. Collection method: clinical testing. Allele origin: germline. Affected: yes. Study: VKGL Data-share Consensus. Not counted in ClinVar's aggregate classification.

NM_006767.4(LZTR1):c.2219+13C>T

Gene: LZTR1 (leucine zipper like post translational regulator 1; plus strand). Cytogenetic location: 22q11.21.
Variant type: single nucleotide variant.
Coding change: c.2219+13C>T on transcript NM_006767.4 (MANE Select); 13 bases into the intron after coding-DNA position 2219, C replaced by T.
Molecular consequence: intron variant.
Genome position (GRCh38, 1-based): chr22:20,996,125, C>T. VCF-style: chr22-20996125-C-T. GRCh37 (hg19) VCF-style: chr22-21350414-C-T.
Identifiers: ClinVar variation 516329 (VCV000516329.66), dbSNP rs144005025, ClinGen allele CA10119283.
Genomic context (GRCh38, chr22:20,996,125, plus strand): 5'-GCGCTACATCTACTACGGCGAGGTCAACATGCCGCCCGAGGACTCGCTGCATCCTCACTC[C>T]CCAGTGAACTCCCAGGTCCCCACCAAGGGGTCCTGGCACCCACCTCAGGTGGCTTTGAGG-3'